The following is an entry in ClinVar:

NM_005502.4(ABCA1):c.2254A>G (p.Ile752Val)

Gene: ABCA1 (ATP binding cassette subfamily A member 1; minus strand). Cytogenetic location: 9q31.1.
Variant type: single nucleotide variant.
Coding change: c.2254A>G on transcript NM_005502.4 (MANE Select); coding-DNA position 2254, A replaced by G.
Protein change: p.Ile752Val; replaces isoleucine 752 with valine.
Molecular consequence: missense variant.
Genome position (GRCh38, 1-based): chr9:104,827,031, T>C on the plus strand (A>G on the coding strand, the complement: ABCA1 is on the minus strand). VCF-style: chr9-104827031-T-C. GRCh37 (hg19) VCF-style: chr9-107589312-T-C.
Other names: short protein forms I752V.
Identifiers: ClinVar variation 3935975 (VCV003935975.1).

ClinVar aggregate classification (germline): Uncertain significance (1 of 4 stars; one submission).

Conditions:
Cardiovascular phenotype. Identifiers: MedGen CN230736.

gnomAD v4.1: 4 of 1,614,212 alleles (0.00025%); highest among the groups gnomAD compares: Non-Finnish European, 0.00025%; no homozygotes.

Submission:

Ambry Genetics
Classification: Uncertain significance for Cardiovascular phenotype. Last evaluated: 2025-05-18. Review status: criteria provided, single submitter. Criteria: Ambry Variant Classification Scheme 2023. Collection method: clinical testing. Allele origin: germline.
Comment: The p.I752V variant (also known as c.2254A>G), located in coding exon 15 of the ABCA1 gene, results from an A to G substitution at nucleotide position 2254. The isoleucine at codon 752 is replaced by valine, an amino acid with highly similar properties. This amino acid position is conserved. In addition, the in silico prediction for this alteration is inconclusive. Based on the available evidence, the clinical significance of this variant remains unclear.